The following is an entry in ClinVar:

NM_000111.3(SLC26A3):c.1498G>A (p.Val500Met)

Gene: SLC26A3 (solute carrier family 26 member 3; minus strand). Cytogenetic location: 7q22.3.
Variant type: single nucleotide variant.
Coding change: c.1498G>A on transcript NM_000111.3 (MANE Select); coding-DNA position 1498, G replaced by A.
Protein change: p.Val500Met; replaces valine 500 with methionine.
Molecular consequence: missense variant.
Genome position (GRCh38, 1-based): chr7:107,778,191, C>T on the plus strand (G>A on the coding strand, the complement: SLC26A3 is on the minus strand). VCF-style: chr7-107778191-C-T. GRCh37 (hg19) VCF-style: chr7-107418636-C-T.
Other names: short protein forms V500M.
Identifiers: ClinVar variation 2065813 (VCV002065813.2), dbSNP rs375977220, ClinGen allele CA4433814.

ClinVar aggregate classification (germline): Uncertain significance (1 of 4 stars; one submission).

Allele frequency attached by ClinVar (database versions not stated): gnomAD 0.00004; ExAC 0.00006; ESP Exome Variant Server 0.00008; gnomAD exomes 0.00009; TOPMed 0.00009.
gnomAD v4.1: 132 of 1,613,052 alleles (0.0082%); highest among the groups gnomAD compares: Middle Eastern, 0.066%; no homozygotes.

Submission:

Labcorp Genetics (formerly Invitae), Labcorp
Classification: Uncertain significance. Last evaluated: 2024-09-21. Review status: criteria provided, single submitter. Criteria: Invitae Variant Classification Sherloc (09022015). Collection method: clinical testing. Allele origin: germline.
Comment: This sequence change replaces valine, which is neutral and non-polar, with methionine, which is neutral and non-polar, at codon 500 of the SLC26A3 protein (p.Val500Met). This variant is present in population databases (rs375977220, gnomAD 0.02%). This variant has not been reported in the literature in individuals affected with SLC26A3-related conditions. ClinVar contains an entry for this variant (Variation ID: 2065813). Invitae Evidence Modeling of protein sequence and biophysical properties (such as structural, functional, and spatial information, amino acid conservation, physicochemical variation, residue mobility, and thermodynamic stability) indicates that this missense variant is not expected to disrupt SLC26A3 protein function with a negative predictive value of 80%. Algorithms developed to predict the effect of sequence changes on RNA splicing suggest that this variant may disrupt the consensus splice site. In summary, the available evidence is currently insufficient to determine the role of this variant in disease. Therefore, it has been classified as a Variant of Uncertain Significance.